The following is an entry in ClinVar:

ClinVar aggregate classification (germline): Benign. Review status: criteria provided, multiple submitters, no conflicts (2 of 4 stars). 18 submissions from 17 submitters: Benign (15). 3 of the submissions do not count toward it. Last evaluated 2026-02-04.

Conditions:
Polymicrogyria with or without vascular-type Ehlers-Danlos syndrome. Identifiers: Orphanet 636941, MedGen C5193040, MONDO:0032688, OMIM 618343.
Familial thoracic aortic aneurysm and aortic dissection (TAAD). Also called: Thoracic aortic aneurysms and dissections. Identifiers: Orphanet 91387, MedGen C4707243, MONDO:0019625.
Ehlers-Danlos syndrome, type 4 (EDSVASC). Also called: Ehlers-Danlos syndrome vascular type; Ehlers Danlos syndrome, ecchymotic type; Ehlers Danlos syndrome, arterial type; Ehlers Danlos syndrome, Sack-Barabas type; Ehlers-Danlos Syndrome Type IV. Identifiers: Orphanet 286, MedGen C0268338, MONDO:0017314, OMIM 130050.

Allele frequency attached by ClinVar (database versions not stated): gnomAD exomes 0.12253 and 0.13905; ExAC 0.12605; 1000 Genomes Project 0.12899; 1000 Genomes Project 30x 0.12945; gnomAD 0.15526 and 0.15955; TOPMed 0.16029; ESP Exome Variant Server 0.16454.
gnomAD v4.1: 226,328 of 1,608,662 alleles (14%); highest among the groups gnomAD compares: African/African-American, 22%; 17,343 homozygotes.

Submissions (18):

Labcorp Genetics (formerly Invitae), Labcorp
Classification: Benign for Ehlers-Danlos syndrome, type 4. Last evaluated: 2026-02-04. Review status: criteria provided, single submitter. Criteria: Invitae Variant Classification Sherloc (09022015). Collection method: clinical testing. Allele origin: germline.

ARUP Laboratories, Molecular Genetics and Genomics, ARUP Laboratories
Classification: Benign. Last evaluated: 2025-07-28. Review status: criteria provided, single submitter. Criteria: ARUP Molecular Germline Variant Investigation Process 2024. Collection method: clinical testing. Allele origin: germline.

Molecular Diagnostic Laboratory for Inherited Cardiovascular Disease, Montreal Heart Institute
Classification: Benign. Last evaluated: 2025-04-09. Review status: criteria provided, single submitter. Criteria: ACMG Guidelines, 2015. Collection method: clinical testing. Allele origin: germline. Affected: no.

Blueprint Genetics
Classification: Benign. Last evaluated: 2024-11-26. Review status: criteria provided, single submitter. Criteria: ACMG Guidelines, 2015. Collection method: clinical testing. Allele origin: germline.

All of Us Research Program, National Institutes of Health
Classification: Benign for Ehlers-Danlos syndrome, type 4. Last evaluated: 2024-10-03. Review status: criteria provided, single submitter. Criteria: ACMG Guidelines, 2015. Collection method: clinical testing. Allele origin: germline. Inheritance: Autosomal dominant inheritance. Observed: 37,784 variant alleles, 34,648 heterozygotes, 3,126 homozygotes, 10 hemizygotes.
Comment: This study involves interpretation of variants in research participants for the purpose of population health screening. Participant phenotype was not available at the time of variant classification. Additional details can be found in publication PMID: 35346344, PMCID: PMC8962531

Genome-Nilou Lab
Classification: Benign for Ehlers-Danlos syndrome, type 4. Last evaluated: 2021-07-22. Review status: criteria provided, single submitter. Criteria: ACMG Guidelines, 2015. Collection method: clinical testing. Allele origin: germline. Affected: no.

Genome-Nilou Lab
Classification: Benign for Polymicrogyria with or without vascular-type Ehlers-Danlos syndrome. Last evaluated: 2021-07-22. Review status: criteria provided, single submitter. Criteria: ACMG Guidelines, 2015. Collection method: clinical testing. Allele origin: germline. Affected: no.

Color Diagnostics, LLC DBA Color Health
Classification: Benign for Familial thoracic aortic aneurysm and aortic dissection. Last evaluated: 2018-03-15. Review status: criteria provided, single submitter. Criteria: ACMG Guidelines, 2015. Collection method: clinical testing. Allele origin: germline.

Illumina Laboratory Services, Illumina
Classification: Benign for Ehlers-Danlos syndrome, type 4. Last evaluated: 2018-01-12. Review status: criteria provided, single submitter. Criteria: ICSL Variant Classification Criteria 13 December 2019. Collection method: clinical testing. Allele origin: germline.
Comment: This variant was observed in the ICSL laboratory as part of a predisposition screen in an ostensibly healthy population. It had not been previously curated by ICSL or reported in the Human Gene Mutation Database (HGMD: prior to June 1st, 2018), and was therefore a candidate for classification through an automated scoring system. Utilizing variant allele frequency, disease prevalence and penetrance estimates, and inheritance mode, an automated score was calculated to assess if this variant is too frequent to cause the disease. Based on the score and internal cut-off values, a variant classified as benign is not then subjected to further curation. The score for this variant resulted in a classification of benign for this disease.

Ambry Genetics
Classification: Benign for Familial thoracic aortic aneurysm and aortic dissection. Last evaluated: 2014-11-24. Review status: criteria provided, single submitter. Criteria: Ambry Variant Classification Scheme 2023. Collection method: clinical testing. Allele origin: germline.

Laboratory for Molecular Medicine, Mass General Brigham Personalized Medicine
Classification: Benign. Last evaluated: 2014-11-20. Review status: criteria provided, single submitter. Criteria: LMM Criteria. Collection method: clinical testing. Allele origin: germline. Observed: 16 variant alleles.
Comment: p.Gln617Gln in exon 26 of COL3A1: This variant is not expected to have clinical significance because it does not alter an amino acid residue and is not located within the splice consensus sequence. It has been identified in 15% (1263/8600) of European American chromosomes and 20% (877/4406) of African American chromoso mes by the NHLBI Exome Sequencing Project (db SNP rs7579903).

Mayo Clinic Laboratories, Mayo Clinic
Classification: Benign. Last evaluated: 2014-04-16. Review status: criteria provided, single submitter. Criteria: ACMG Guidelines, 2015. Collection method: clinical testing. Allele origin: germline. Observed: 1,524 variant alleles.

GeneDx
Classification: Benign. Last evaluated: 2012-11-20. Review status: criteria provided, single submitter. Criteria: GeneDx Variant Classification (06012015). Collection method: clinical testing. Allele origin: germline. Affected: yes.
Comment: This variant is considered likely benign or benign based on one or more of the following criteria: it is a conservative change, it occurs at a poorly conserved position in the protein, it is predicted to be benign by multiple in silico algorithms, and/or has population frequency not consistent with disease.

Breakthrough Genomics
Classification: Benign. Review status: criteria provided, single submitter. Criteria: ACMG Guidelines, 2015. Collection method: not provided. Allele origin: germline. Inheritance: Autosomal recessive inheritance. Affected: yes.

PreventionGenetics, part of Exact Sciences
Classification: Benign. Review status: criteria provided, single submitter. Criteria: ACMG Guidelines, 2015. Collection method: clinical testing. Allele origin: germline.

Cohesion Phenomics
Classification: Benign for Ehlers-Danlos syndrome, type 4. Last evaluated: 2022-09-23. Review status: no assertion criteria provided. Criteria: ACMG Guidelines, 2015. Collection method: clinical testing. Allele origin: germline. Affected: yes. Not counted in ClinVar's aggregate classification.

Clinical Genetics DNA and cytogenetics Diagnostics Lab, Erasmus MC, Erasmus Medical Center
Classification: Benign. Review status: no assertion criteria provided. Collection method: clinical testing. Allele origin: germline. Affected: yes. Study: VKGL Data-share Consensus. Not counted in ClinVar's aggregate classification.

Genome Diagnostics Laboratory, Amsterdam University Medical Center
Classification: Benign. Review status: no assertion criteria provided. Collection method: clinical testing. Allele origin: germline. Affected: yes. Study: VKGL Data-share Consensus. Not counted in ClinVar's aggregate classification.

NM_000090.4(COL3A1):c.1851G>A (p.Gln617=)

Gene: COL3A1 (collagen type III alpha 1 chain; plus strand). Cytogenetic location: 2q32.2.
Variant type: single nucleotide variant.
Coding change: c.1851G>A on transcript NM_000090.4 (MANE Select); coding-DNA position 1851, G replaced by A.
Protein change: p.Gln617=; no amino-acid change (glutamine 617 retained).
Molecular consequence: synonymous variant.
Genome position (GRCh38, 1-based): chr2:188,997,371, G>A. VCF-style: chr2-188997371-G-A. GRCh37 (hg19) VCF-style: chr2-189862097-G-A.
Other names: p.Q617Q:CAG>CAA; p.Gln617=.
Identifiers: ClinVar variation 136848 (VCV000136848.49), dbSNP rs7579903, ClinGen allele CA004615.